The following is an entry in ClinVar:

ClinVar aggregate classification (germline): Benign/Likely benign. Review status: criteria provided, multiple submitters, no conflicts (2 of 4 stars). 3 submissions from 3 submitters: Benign (1); Likely benign (1). 1 of the submissions does not count toward it. Last evaluated 2025-03-07.

Conditions:
PRUNE1-related disorder. Also called: PRUNE1-related condition.

Allele frequency attached by ClinVar (database versions not stated): ESP Exome Variant Server 0.00008; gnomAD exomes 0.00022; gnomAD 0.00031; TOPMed 0.00034; ExAC 0.00063; 1000 Genomes Project 0.00240; 1000 Genomes Project 30x 0.00250.
gnomAD v4.1: 374 of 1,611,642 alleles (0.023%); highest among the groups gnomAD compares: East Asian, 0.65%; 2 homozygotes.

Submissions (3):

Labcorp Genetics (formerly Invitae), Labcorp
Classification: Benign. Last evaluated: 2025-03-07. Review status: criteria provided, single submitter. Criteria: Invitae Variant Classification Sherloc (09022015). Collection method: clinical testing. Allele origin: germline.

Blueprint Genetics
Classification: Likely benign. Last evaluated: 2024-01-09. Review status: criteria provided, single submitter. Criteria: ACMG Guidelines, 2015. Collection method: clinical testing. Allele origin: germline.

PreventionGenetics, part of Exact Sciences
Classification: Likely benign for PRUNE1-related condition. Last evaluated: 2019-02-28. Review status: no assertion criteria provided. Collection method: clinical testing. Allele origin: germline. Not counted in ClinVar's aggregate classification.
Comment: This variant is classified as likely benign based on ACMG/AMP sequence variant interpretation guidelines (Richards et al. 2015 PMID: 25741868, with internal and published modifications).

NM_021222.3(PRUNE1):c.736G>A (p.Val246Ile)

Gene: PRUNE1 (prune exopolyphosphatase 1; plus strand). Cytogenetic location: 1q21.3.
Variant type: single nucleotide variant.
Coding change: c.736G>A on transcript NM_021222.3 (MANE Select); coding-DNA position 736, G replaced by A.
Protein change: p.Val246Ile; replaces valine 246 with isoleucine.
Molecular consequence: missense variant. On other transcripts: non-coding transcript variant (4).
Genome position (GRCh38, 1-based): chr1:151,027,289, G>A. VCF-style: chr1-151027289-G-A. GRCh37 (hg19) VCF-style: chr1-150999765-G-A.
Other names: c.190G>A, p.Val64Ile (NM_001303229.2); c.736G>A, p.Val246Ile (NM_001303242.2); c.133G>A, p.Val45Ile (NM_001303243.2); c.736G>A (NM_021222.2); short protein forms V64I, V246I, V45I.
Identifiers: ClinVar variation 2060094 (VCV002060094.7), dbSNP rs139834881, ClinGen allele CA1083866.